The following is an entry in ClinVar:

ClinVar aggregate classification (germline): Uncertain significance (1 of 4 stars; one submission).

Conditions:
Hereditary cancer-predisposing syndrome. Also called: Hereditary neoplastic syndrome; Hereditary Cancer Syndrome; Neoplastic Syndromes, Hereditary; Tumor predisposition. Identifiers: Orphanet 140162, MedGen C0027672, MeSH D009386, MONDO:0015356.

Submission:

Ambry Genetics
Classification: Uncertain significance for Hereditary cancer-predisposing syndrome. Last evaluated: 2023-05-12. Review status: criteria provided, single submitter. Criteria: Ambry Variant Classification Scheme 2023. Collection method: clinical testing. Allele origin: germline.
Comment: The p.Q1127K variant (also known as c.3379C>A), located in coding exon 15 of the APC gene, results from a C to A substitution at nucleotide position 3379. The glutamine at codon 1127 is replaced by lysine, an amino acid with similar properties. This amino acid position is well conserved in available vertebrate species. In addition, in silico predictors for this gene do not accurately predict pathogenicity. Since supporting evidence is limited at this time, the clinical significance of this alteration remains unclear.

NM_000038.6(APC):c.3379C>A (p.Gln1127Lys)

Gene: APC (APC regulator of Wnt signaling pathway; plus strand). Cytogenetic location: 5q22.2.
Variant type: single nucleotide variant.
Coding change: c.3379C>A on transcript NM_000038.6 (MANE Select); coding-DNA position 3379, C replaced by A.
Protein change: p.Gln1127Lys; replaces glutamine 1127 with lysine.
Molecular consequence: missense variant. On other transcripts: non-coding transcript variant (2).
Genome position (GRCh38, 1-based): chr5:112,838,973, C>A. VCF-style: chr5-112838973-C-A. GRCh37 (hg19) VCF-style: chr5-112174670-C-A.
Other names: c.3379C>A, p.Gln1127Lys (NM_001127510.3, NM_001354895.2, NM_001407450.1); c.3325C>A, p.Gln1109Lys (NM_001127511.3); c.3433C>A, p.Gln1145Lys (NM_001354896.2, NM_001407447.1, NM_001407448.1 and 1 more transcripts); c.3409C>A, p.Gln1137Lys (NM_001354897.2); c.3304C>A, p.Gln1102Lys (NM_001354898.2); c.3295C>A, p.Gln1099Lys (NM_001354899.2); c.3256C>A, p.Gln1086Lys (NM_001354900.2); c.3202C>A, p.Gln1068Lys (NM_001354901.2, NM_001407453.1); and 11 more; short protein forms Q1026K, Q1068K, Q1155K, Q1036K, Q1086K, Q844K, Q998K, Q1001K.
Identifiers: ClinVar variation 2567004 (VCV002567004.2), dbSNP rs1765409926, ClinGen allele CA16028735.